The following is an entry in ClinVar:

ClinVar aggregate classification (germline): Conflicting classifications of pathogenicity. Review status: criteria provided, conflicting classifications (1 of 4 stars). 3 submissions from 3 submitters: Uncertain significance (1); Likely benign (2). Last evaluated 2026-01-16.

Conditions:
Inborn genetic diseases. Identifiers: MedGen C0950123, MeSH D030342.
TMPRSS3-related disorder. Also called: TMPRSS3-related condition.

Allele frequency attached by ClinVar (database versions not stated): TOPMed 0.00002.
gnomAD v4.1: 30 of 1,614,050 alleles (0.0019%); highest among the groups gnomAD compares: East Asian, 0.0045%; no homozygotes.

Submissions (3):

PreventionGenetics, part of Exact Sciences
Classification: Uncertain significance for TMPRSS3-related condition. Last evaluated: 2026-01-16. Review status: criteria provided, single submitter. Criteria: ACMG Guidelines, 2015. Collection method: clinical testing. Allele origin: germline.
Comment: The TMPRSS3 c.497G>A variant is predicted to result in the amino acid substitution p.Arg166Gln. To our knowledge, this variant has not been reported in the literature. This variant is reported in 0.0050% of alleles in individuals of East Asian descent in gnomAD. At this time, the clinical significance of this variant is uncertain due to the absence of conclusive functional and genetic evidence.

Ambry Genetics
Classification: Likely benign for Inborn genetic diseases. Last evaluated: 2023-03-15. Review status: criteria provided, single submitter. Criteria: Ambry Variant Classification Scheme 2023. Collection method: clinical testing. Allele origin: germline.

Laboratory for Molecular Medicine, Mass General Brigham Personalized Medicine
Classification: Likely benign. Last evaluated: 2018-06-06. Review status: criteria provided, single submitter. Criteria: LMM Criteria. Collection method: clinical testing. Allele origin: germline. Observed: 1 variant allele.
Comment: p.Arg166Gln in exon 6 of TMPRSS3: This variant is classified as likely benign du e to a lack of conservation across species. Of note, 45 species including at lea st 15 mammals have a Glutamine at this position despite high nearby amino acid c onservation. In addition, computational prediction tools do not suggest a high l ikelihood of impact to the protein. It has also been identified in 5/277208 chro mosomes from various populations by the Genome Aggregation Database (gnomAD; dbSNP rs150397427). ACMG/AMP Criteria applied: BP 4_Strong, PM2.

NM_001256317.3(TMPRSS3):c.497G>A (p.Arg166Gln)

Gene: TMPRSS3 (transmembrane serine protease 3; minus strand). Cytogenetic location: 21q22.3.
Variant type: single nucleotide variant.
Coding change: c.497G>A on transcript NM_001256317.3 (MANE Select); coding-DNA position 497, G replaced by A.
Protein change: p.Arg166Gln; replaces arginine 166 with glutamine.
Molecular consequence: missense variant.
Genome position (GRCh38, 1-based): chr21:42,385,484, C>T on the plus strand (G>A on the coding strand, the complement: TMPRSS3 is on the minus strand). VCF-style: chr21-42385484-C-T. GRCh37 (hg19) VCF-style: chr21-43805593-C-T.
Other names: c.497G>A, p.Arg166Gln (NM_024022.4, NM_032405.2); c.116G>A, p.Arg39Gln (NM_032404.3); short protein forms R166Q, R39Q.
Identifiers: ClinVar variation 666766 (VCV000666766.7), dbSNP rs150397427, ClinGen allele CA10042607.